The following is an entry in ClinVar:

ClinVar aggregate classification (germline): Benign/Likely benign. Review status: criteria provided, multiple submitters, no conflicts (2 of 4 stars). 3 submissions from 3 submitters: Benign (1); Likely benign (1). 1 of the submissions does not count toward it. Last evaluated 2025-06-30.

Conditions:
Luscan-Lumish syndrome. Identifiers: Orphanet 597738, MedGen C4085873, MONDO:0014791, OMIM 616831.

Allele frequency attached by ClinVar (database versions not stated): gnomAD below 0.00001 and 0.00005; TOPMed 0.00002; gnomAD exomes 0.00012 and 0.00024; ExAC 0.00029; 1000 Genomes Project 30x 0.00047; 1000 Genomes Project 0.00060.
gnomAD v4.1: 186 of 1,614,166 alleles (0.012%); highest among the groups gnomAD compares: South Asian, 0.2%; no homozygotes.

Submissions (3):

Mayo Clinic Laboratories, Mayo Clinic
Classification: Benign. Last evaluated: 2025-06-30. Review status: criteria provided, single submitter. Criteria: ACMG Guidelines, 2015. Collection method: clinical testing. Allele origin: germline. Observed: 1 variant allele.
Comment: BS1, BS2, BP4_moderate

Labcorp Genetics (formerly Invitae), Labcorp
Classification: Likely benign for Luscan-Lumish syndrome. Last evaluated: 2025-03-04. Review status: criteria provided, single submitter. Criteria: Invitae Variant Classification Sherloc (09022015). Collection method: clinical testing. Allele origin: germline.

ITMI
No classification provided. Condition: AllHighlyPenetrant. Last evaluated: 2013-09-19. Review status: no classification provided. Collection method: reference population. Allele origin: germline. Not counted in ClinVar's aggregate classification.
Comment: Please see associated publication for description of ethnicities

Literature cited by the submitters: PubMed 24728327 (cited by ITMI).

NM_014159.7(SETD2):c.2275A>G (p.Lys759Glu)

Gene: SETD2 (SET domain containing 2, histone lysine methyltransferase; minus strand). Cytogenetic location: 3p21.31.
Variant type: single nucleotide variant.
Coding change: c.2275A>G on transcript NM_014159.7 (MANE Select); coding-DNA position 2275, A replaced by G.
Protein change: p.Lys759Glu; replaces lysine 759 with glutamic acid.
Molecular consequence: missense variant. On other transcripts: non-coding transcript variant (1).
Genome position (GRCh38, 1-based): chr3:47,122,361, T>C on the plus strand (A>G on the coding strand, the complement: SETD2 is on the minus strand). VCF-style: chr3-47122361-T-C. GRCh37 (hg19) VCF-style: chr3-47163851-T-C.
Other names: p.Lys759Glu; c.2143A>G, p.Lys715Glu (NM_001349370.3); c.2275A>G (NM_014159.6); short protein forms K759E, K715E.
Identifiers: ClinVar variation 135212 (VCV000135212.3), dbSNP rs200479097, ClinGen allele CA162029.
Genomic context (GRCh38, chr3:47,122,361, plus strand): 5'-CTGGTTCTTTAACTACTGTTTTGGAATAATCCACAGTCATAACTGGCATAGACATGAGTT[T>C]ATCTTGGTGTGGTGACACCAGAGGTTCTGTTTCTCTAAATGGGCTTTCTGACTTCTTATG-3'
Protein context (NP_054878.5, residues 749-769): TEPLVSPHQD[Lys759Glu]LMSMPVMTVD